The following is an entry in ClinVar:

ClinVar aggregate classification (germline): Likely pathogenic (1 of 4 stars; one submission).

Conditions:
Arrhythmogenic cardiomyopathy with wooly hair and keratoderma. Also called: Carvajal syndrome; Arrhythmogenic cardiomyopathy with woolly hair and keratoderma; PALMOPLANTAR KERATODERMA WITH LEFT VENTRICULAR CARDIOMYOPATHY AND WOOLLY HAIR; Dilated cardiomyopathy with woolly hair and keratoderma. Identifiers: Orphanet 65282, MedGen C1854063, MONDO:0011581, OMIM 605676.
Arrhythmogenic right ventricular dysplasia 8 (ARVD8). Also called: ARRHYTHMOGENIC RIGHT VENTRICULAR DYSPLASIA, FAMILIAL, 8; Arrhythmogenic Right Ventricular Dysplasia/Cardiomyopathy 8; ARRHYTHMOGENIC RIGHT VENTRICULAR CARDIOMYOPATHY 8. Identifiers: MedGen C1843896, MONDO:0011831, OMIM 607450.

Submission:

Labcorp Genetics (formerly Invitae), Labcorp
Classification: Likely pathogenic for Arrhythmogenic cardiomyopathy with wooly hair and keratoderma; Arrhythmogenic right ventricular dysplasia 8. Last evaluated: 2021-10-29. Review status: criteria provided, single submitter. Criteria: Invitae Variant Classification Sherloc (09022015). Collection method: clinical testing. Allele origin: germline.
Comment: This sequence change affects a donor splice site in intron 12 of the DSP gene. It is expected to disrupt RNA splicing. Variants that disrupt the donor or acceptor splice site typically lead to a loss of protein function (PMID: 16199547), and loss-of-function variants in DSP are known to be pathogenic (PMID: 20716751, 24503780, 25227139). This variant is not present in population databases (gnomAD no frequency). This variant has not been reported in the literature in individuals affected with DSP-related conditions. Algorithms developed to predict the effect of sequence changes on RNA splicing suggest that this variant may disrupt the consensus splice site. In summary, the currently available evidence indicates that the variant is pathogenic, but additional data are needed to prove that conclusively. Therefore, this variant has been classified as Likely Pathogenic.

Literature cited by the submitters: PubMed 16199547; PubMed 20716751; PubMed 24503780; PubMed 25227139.

NM_004415.4(DSP):c.1574+1G>C

Gene: DSP (desmoplakin; plus strand). Cytogenetic location: 6p24.3.
Variant type: single nucleotide variant.
Coding change: c.1574+1G>C on transcript NM_004415.4 (MANE Select); the canonical splice donor site of the intron after coding-DNA position 1574, G replaced by C.
Molecular consequence: splice donor variant.
Genome position (GRCh38, 1-based): chr6:7,569,341, G>C. VCF-style: chr6-7569341-G-C. GRCh37 (hg19) VCF-style: chr6-7569574-G-C.
Other names: c.1574+1G>C (NM_001319034.2, NM_001008844.3).
Identifiers: ClinVar variation 1505233 (VCV001505233.6), dbSNP rs1758971797, ClinGen allele CA362677896.
Genomic context (GRCh38, chr6:7,569,341, plus strand): 5'-TCCCTCTGTGGGGCTGATCATCCCTCCTCCGAACCCACTGGCCGTGGACCTCTCTTGCAA[G>C]TAAGTCATCCAAGTTCCCAAAGCCACGCATGCACGCATGAATGTGAGGGCAGAGGAAGAG-3'